The following is an entry in ClinVar:

NM_005859.5(PURA):c.389del (p.Pro130fs)

Genes: PURA (purine rich element binding protein A; plus strand), LOC129994826 (ATAC-STARR-seq lymphoblastoid active region 23260; plus strand). Cytogenetic location: 5q31.3.
Variant type: Deletion.
Coding change: c.389del on transcript NM_005859.5 (MANE Select); coding-DNA position 389, one base deleted (C; older notation c.389delC).
Protein change: p.Pro130fs; shifts the reading frame from proline 130.
Molecular consequence: frameshift variant.
Genome position (GRCh38, 1-based): chr5:140,114,570, C deleted; the last of 2 consecutive C bases (chr5:140,114,569-140,114,570); deleting either gives the same sequence. VCF-style (leftmost placement, unchanged base first): chr5-140114568-GC-G. GRCh37 (hg19) VCF-style: chr5-139494153-GC-G.
Other names: short protein forms P130fs.
Identifiers: ClinVar variation 1451955 (VCV001451955.8), dbSNP rs2126749009, ClinGen allele CA2573139227.

ClinVar aggregate classification (germline): Pathogenic (1 of 4 stars; one submission).

Conditions:
PURA-related severe neonatal hypotonia-seizures-encephalopathy syndrome (NEDRIHF). Also called: NEURODEVELOPMENTAL DISORDER WITH NEONATAL RESPIRATORY INSUFFICIENCY, HYPOTONIA, AND FEEDING DIFFICULTIES; PURA-Related Neurodevelopmental Disorders. Identifiers: Orphanet 438213, Orphanet 438216, MedGen C4015357, MONDO:1060108, OMIM 616158, MONDO:0018580.

Submission:

Labcorp Genetics (formerly Invitae), Labcorp
Classification: Pathogenic for PURA-related severe neonatal hypotonia-seizures-encephalopathy syndrome. Last evaluated: 2022-02-05. Review status: criteria provided, single submitter. Criteria: Invitae Variant Classification Sherloc (09022015). Collection method: clinical testing. Allele origin: germline.
Comment: For these reasons, this variant has been classified as Pathogenic. This variant disrupts a region of the PURA protein in which other variant(s) (p.Asp207Thrfs*16) have been determined to be pathogenic (Invitae). This suggests that this is a clinically significant region of the protein, and that variants that disrupt it are likely to be disease-causing. This variant has not been reported in the literature in individuals affected with PURA-related conditions. This variant is not present in population databases (gnomAD no frequency). This sequence change creates a premature translational stop signal (p.Pro130Argfs*95) in the PURA gene. While this is not anticipated to result in nonsense mediated decay, it is expected to disrupt the last 193 amino acid(s) of the PURA protein.